The following is an entry in ClinVar:

NM_000093.5(COL5A1):c.690C>A (p.His230Gln)

Gene: COL5A1 (collagen type V alpha 1 chain; plus strand). Cytogenetic location: 9q34.3.
Variant type: single nucleotide variant.
Coding change: c.690C>A on transcript NM_000093.5 (MANE Select); coding-DNA position 690, C replaced by A.
Protein change: p.His230Gln; replaces histidine 230 with glutamine.
Molecular consequence: missense variant.
Genome position (GRCh38, 1-based): chr9:134,727,301, C>A. VCF-style: chr9-134727301-C-A. GRCh37 (hg19) VCF-style: chr9-137619147-C-A.
Other names: p.His230Gln; c.690C>A, p.His230Gln (NM_001278074.1); short protein forms H230Q.
Identifiers: ClinVar variation 4541512 (VCV004541512.1).
Genomic context (GRCh38, chr9:134,727,301, plus strand): 5'-TTCATGAGCGTCTCTTCTTTTCCAGGGTGACATCCAGCAGCTGCTCTTTGTCTCGGACCA[C>A]CGGGCAGCTTATGATTACTGTGAGCACTACAGCCCTGACTGTGACACCGCAGTACCTGAC-3'
Protein context (NP_000084.3, residues 220-240): DIQQLLFVSD[His230Gln]RAAYDYCEHY

ClinVar aggregate classification (germline): Uncertain significance (1 of 4 stars; one submission).

Submission:

Mayo Clinic Laboratories, Mayo Clinic
Classification: Uncertain significance. Last evaluated: 2025-02-16. Review status: criteria provided, single submitter. Criteria: ACMG Guidelines, 2015. Collection method: clinical testing. Allele origin: germline. Observed: 1 variant allele.
Comment: BP4, PM2_supporting